The following is an entry in ClinVar:

NM_001003841.3(SLC6A19):c.1467C>A (p.Ala489=)

Gene: SLC6A19 (solute carrier family 6 member 19; plus strand). Cytogenetic location: 5p15.33.
Variant type: single nucleotide variant.
Coding change: c.1467C>A on transcript NM_001003841.3 (MANE Select); coding-DNA position 1467, C replaced by A.
Protein change: p.Ala489=; no amino-acid change (alanine 489 retained).
Molecular consequence: synonymous variant.
Genome position (GRCh38, 1-based): chr5:1,219,593, C>A. VCF-style: chr5-1219593-C-A. GRCh37 (hg19) VCF-style: chr5-1219708-C-A.
Other names: p.Ala489=.
Identifiers: ClinVar variation 4684825 (VCV004684825.1).

ClinVar aggregate classification (germline): Likely benign (1 of 4 stars; one submission).

Submission:

Mayo Clinic Laboratories, Mayo Clinic
Classification: Likely benign. Last evaluated: 2025-08-18. Review status: criteria provided, single submitter. Criteria: ACMG Guidelines, 2015. Collection method: clinical testing. Allele origin: germline. Observed: 1 variant allele.
Comment: BP4, BP7